The following is an entry in ClinVar:

NM_017986.4(SLC52A1):c.1081A>G (p.Ile361Val)

Gene: SLC52A1 (solute carrier family 52 member 1; minus strand). Cytogenetic location: 17p13.2.
Variant type: single nucleotide variant.
Coding change: c.1081A>G on transcript NM_017986.4 (MANE Select); coding-DNA position 1081, A replaced by G.
Protein change: p.Ile361Val; replaces isoleucine 361 with valine.
Molecular consequence: missense variant.
Genome position (GRCh38, 1-based): chr17:5,033,314, T>C on the plus strand (A>G on the coding strand, the complement: SLC52A1 is on the minus strand). VCF-style: chr17-5033314-T-C. GRCh37 (hg19) VCF-style: chr17-4936609-T-C.
Other names: c.1081A>G, p.Ile361Val (NM_001104577.2); short protein forms I361V.
Identifiers: ClinVar variation 2915754 (VCV002915754.3), dbSNP rs753878810, ClinGen allele CA8319635.

ClinVar aggregate classification (germline): Uncertain significance (1 of 4 stars; one submission).

Conditions:
Vitamin B2 deficiency. Identifiers: MedGen C0035528.

Allele frequency attached by ClinVar (database versions not stated): gnomAD exomes 0.00001; ExAC 0.00002.
gnomAD v4.1: 9 of 1,613,970 alleles (0.00056%); highest among the groups gnomAD compares: South Asian, 0.0088%; no homozygotes.

Submission:

Labcorp Genetics (formerly Invitae), Labcorp
Classification: Uncertain significance for Vitamin B2 deficiency. Last evaluated: 2022-12-13. Review status: criteria provided, single submitter. Criteria: Invitae Variant Classification Sherloc (09022015). Collection method: clinical testing. Allele origin: germline.
Comment: In summary, the available evidence is currently insufficient to determine the role of this variant in disease. Therefore, it has been classified as a Variant of Uncertain Significance. Advanced modeling of protein sequence and biophysical properties (such as structural, functional, and spatial information, amino acid conservation, physicochemical variation, residue mobility, and thermodynamic stability) performed at Invitae indicates that this missense variant is not expected to disrupt SLC52A1 protein function. This variant has not been reported in the literature in individuals affected with SLC52A1-related conditions. This variant is present in population databases (rs753878810, gnomAD 0.01%). This sequence change replaces isoleucine, which is neutral and non-polar, with valine, which is neutral and non-polar, at codon 361 of the SLC52A1 protein (p.Ile361Val).